The following is an entry in ClinVar:

NM_000209.4(PDX1):c.190G>T (p.Asp64Tyr)

Gene: PDX1 (pancreatic and duodenal homeobox 1; plus strand). Cytogenetic location: 13q12.2.
Variant type: single nucleotide variant.
Coding change: c.190G>T on transcript NM_000209.4 (MANE Select); coding-DNA position 190, G replaced by T.
Protein change: p.Asp64Tyr; replaces aspartic acid 64 with tyrosine.
Molecular consequence: missense variant.
Genome position (GRCh38, 1-based): chr13:27,920,328, G>T. VCF-style: chr13-27920328-G-T. GRCh37 (hg19) VCF-style: chr13-28494465-G-T.
Other names: short protein forms D64Y.
Identifiers: ClinVar variation 2453720 (VCV002453720.2), dbSNP rs1298541493, ClinGen allele CA387644302.
Genomic context (GRCh38, chr13:27,920,328, plus strand): 5'-CCGCCGCCGCCGCACCCGTTCCCTGGCGCCCTGGGCGCGCTGGAGCAGGGCAGCCCCCCG[G>T]ACATCTCCCCGTACGAGGTGCCCCCCCTCGCCGACGACCCCGCGGTGGCGCACCTTCACC-3'
Protein context (NP_000200.1, residues 54-74): LGALEQGSPP[Asp64Tyr]ISPYEVPPLA

ClinVar aggregate classification (germline): Uncertain significance (1 of 4 stars; one submission).

Conditions:
Maturity-onset diabetes of the young (MODY). Also called: Maturity onset diabetes mellitus in young. Identifiers: Orphanet 552, MedGen C0342276, MONDO:0018911, HP:0004904.

Submission:

Ambry Genetics
Classification: Uncertain significance for Maturity-onset diabetes of the young. Last evaluated: 2022-12-06. Review status: criteria provided, single submitter. Criteria: Ambry Variant Classification Scheme 2023. Collection method: clinical testing. Allele origin: germline.
Comment: The p.D64Y variant (also known as c.190G>T), located in coding exon 1 of the PDX1 gene, results from a G to T substitution at nucleotide position 190. The aspartic acid at codon 64 is replaced by tyrosine, an amino acid with highly dissimilar properties. This amino acid position is highly conserved in available vertebrate species. In addition, this alteration is predicted to be deleterious by in silico analysis. Since supporting evidence is limited at this time, the clinical significance of this alteration remains unclear.